The following is an entry in ClinVar:

NM_004813.4(PEX16):c.943C>T (p.Leu315=)

Gene: PEX16 (peroxisomal biogenesis factor 16; minus strand). Cytogenetic location: 11p11.2.
Variant type: single nucleotide variant.
Coding change: c.943C>T on transcript NM_004813.4 (MANE Select); coding-DNA position 943, C replaced by T.
Protein change: p.Leu315=; no amino-acid change (leucine 315 retained).
Molecular consequence: synonymous variant.
Genome position (GRCh38, 1-based): chr11:45,910,907, G>A on the plus strand (C>T on the coding strand, the complement: PEX16 is on the minus strand). VCF-style: chr11-45910907-G-A. GRCh37 (hg19) VCF-style: chr11-45932458-G-A.
Other names: p.Leu315=; c.943C>T, p.Leu315= (NM_057174.3); c.943C>T (NM_057174.2).
Identifiers: ClinVar variation 768443 (VCV000768443.37), dbSNP rs150774189, ClinGen allele CA5959757.
Genomic context (GRCh38, chr11:45,910,907, plus strand): 5'-CATGCATGCGCCTTCCAGCACTACAGTCATCGCGTCCCCATCCCTGCTTACTTGTGACCA[G>A]GCCAACGCCAGGGACGTGGTCGGCCAGCAACTGGAGCAGGAAGAGGATCCTGGCCCTGGG-3'
Protein context (NP_004804.2, residues 305-325): LLADHVPGVG[Leu315=]VTRPLMDYLP

ClinVar aggregate classification (germline): Benign/Likely benign. Review status: criteria provided, multiple submitters, no conflicts (2 of 4 stars). 4 submissions from 4 submitters: Benign (2); Likely benign (2). Last evaluated 2026-02-01.

Conditions:
Peroxisome biogenesis disorder. Identifiers: Orphanet 79189, MedGen C1832200, MONDO:0019234. Disease mechanism: loss of function.

Allele frequency attached by ClinVar (database versions not stated): gnomAD exomes 0.00038 and 0.00112; ExAC 0.00145; 1000 Genomes Project 0.00379; 1000 Genomes Project 30x 0.00390; gnomAD 0.00404 and 0.00426; TOPMed 0.00451; ESP Exome Variant Server 0.00523.
gnomAD v4.1: 1,181 of 1,613,612 alleles (0.073%); highest among the groups gnomAD compares: African/African-American, 1.4%; 10 homozygotes.

Submissions (4):

Labcorp Genetics (formerly Invitae), Labcorp
Classification: Benign for Peroxisome biogenesis disorder. Last evaluated: 2026-02-01. Review status: criteria provided, single submitter. Criteria: Invitae Variant Classification Sherloc (09022015). Collection method: clinical testing. Allele origin: germline.

Mayo Clinic Laboratories, Mayo Clinic
Classification: Likely benign. Last evaluated: 2025-06-09. Review status: criteria provided, single submitter. Criteria: ACMG Guidelines, 2015. Collection method: clinical testing. Allele origin: germline. Observed: 6 variant alleles.
Comment: BS1, BP4, BP7

Blueprint Genetics
Classification: Likely benign. Last evaluated: 2024-10-09. Review status: criteria provided, single submitter. Criteria: ACMG Guidelines, 2015. Collection method: clinical testing. Allele origin: germline.

CeGaT Center for Human Genetics Tuebingen
Classification: Benign. Last evaluated: 2023-05-01. Review status: criteria provided, single submitter. Criteria: CeGaT Center For Human Genetics Tuebingen Variant Classification Criteria Version 2. Collection method: clinical testing. Allele origin: germline. Affected: yes. Observed: 1 variant allele.
Comment: PEX16: BP4, BP7, BS1, BS2